The following is an entry in ClinVar:

ClinVar aggregate classification (germline): Uncertain significance (1 of 4 stars; one submission).

Conditions:
Mucolipidosis type II. Also called: Mucolipidosis 2; ML 2; Inclusion cell disease; Leroy Disease; N-acetylglucosamine 1phosphotransferase deficiency; ML disorder type 2. Identifiers: Orphanet 576, MedGen C2673377, MONDO:0009650, OMIM 252500.
Pseudo-Hurler polydystrophy. Also called: ML IIIA; Mucolipidosis III Alpha/Beta; MUCOLIPIDOSIS IIIA; ML III; ML III ALPHA/BETA; Type III Mucolipidosis. Identifiers: Orphanet 423461, Orphanet 577, MedGen C0033788, MONDO:0018931, OMIM 252600.

Allele frequency attached by ClinVar (database versions not stated): gnomAD 0.00001; gnomAD exomes 0.00001; ExAC 0.00001; TOPMed 0.00002.
gnomAD v4.1: 15 of 1,613,932 alleles (0.00093%); highest among the groups gnomAD compares: African/African-American, 0.0013%; no homozygotes.

Submission:

Labcorp Genetics (formerly Invitae), Labcorp
Classification: Uncertain significance for Pseudo-Hurler polydystrophy; Mucolipidosis type II. Last evaluated: 2021-10-27. Review status: criteria provided, single submitter. Criteria: Invitae Variant Classification Sherloc (09022015). Collection method: clinical testing. Allele origin: germline.
Comment: This sequence change replaces methionine, a(n) neutral and non-polar amino acid, with valine, a(n) neutral and non-polar amino acid, at codon 288 of the GNPTAB protein (p.Met288Val). This variant is present in population databases (rs757123160, gnomAD 0.01%). This variant has not been reported in the literature in individuals affected with GNPTAB-related conditions. Advanced modeling of protein sequence and biophysical properties (such as structural, functional, and spatial information, amino acid conservation, physicochemical variation, residue mobility, and thermodynamic stability) performed at Invitae indicates that this missense variant is not expected to disrupt GNPTAB protein function. Algorithms developed to predict the effect of sequence changes on RNA splicing suggest that this variant may create or strengthen a splice site. In summary, the available evidence is currently insufficient to determine the role of this variant in disease. Therefore, it has been classified as a Variant of Uncertain Significance.

NM_024312.5(GNPTAB):c.862A>G (p.Met288Val)

Gene: GNPTAB (N-acetylglucosamine-1-phosphate transferase subunits alpha and beta; minus strand). Cytogenetic location: 12q23.2.
Variant type: single nucleotide variant.
Coding change: c.862A>G on transcript NM_024312.5 (MANE Select); coding-DNA position 862, A replaced by G.
Protein change: p.Met288Val; replaces methionine 288 with valine.
Molecular consequence: missense variant.
Genome position (GRCh38, 1-based): chr12:101,771,067, T>C on the plus strand (A>G on the coding strand, the complement: GNPTAB is on the minus strand). VCF-style: chr12-101771067-T-C. GRCh37 (hg19) VCF-style: chr12-102164845-T-C.
Other names: short protein forms M288V.
Identifiers: ClinVar variation 2159734 (VCV002159734.1), dbSNP rs757123160, ClinGen allele CA6746774.